The following is an entry in ClinVar:

NM_004484.4(GPC3):c.682A>G (p.Ile228Val)

Gene: GPC3 (glypican 3; minus strand). Cytogenetic location: Xq26.2.
Variant type: single nucleotide variant.
Coding change: c.682A>G on transcript NM_004484.4 (MANE Select); coding-DNA position 682, A replaced by G.
Protein change: p.Ile228Val; replaces isoleucine 228 with valine.
Molecular consequence: missense variant.
Genome position (GRCh38, 1-based): chrX:133,753,832, T>C on the plus strand (A>G on the coding strand, the complement: GPC3 is on the minus strand). VCF-style: chrX-133753832-T-C. GRCh37 (hg19) VCF-style: chrX-132887859-T-C.
Other names: c.682A>G, p.Ile228Val (NM_001164617.2); c.634A>G, p.Ile212Val (NM_001164618.2); c.520A>G, p.Ile174Val (NM_001164619.2); short protein forms I174V, I228V, I212V.
Identifiers: ClinVar variation 2151595 (VCV002151595.4), dbSNP rs774682860, ClinGen allele CA414706092.

ClinVar aggregate classification (germline): Uncertain significance (1 of 4 stars; one submission).

Conditions:
Wilms tumor 1 (WT1). Also called: Wilms tumor, somatic. Identifiers: Orphanet 654, MedGen CN033288, MONDO:0008679, OMIM 194070.

Submission:

Labcorp Genetics (formerly Invitae), Labcorp
Classification: Uncertain significance for Wilms tumor 1. Last evaluated: 2023-10-17. Review status: criteria provided, single submitter. Criteria: Invitae Variant Classification Sherloc (09022015). Collection method: clinical testing. Allele origin: germline.
Comment: This sequence change replaces isoleucine, which is neutral and non-polar, with valine, which is neutral and non-polar, at codon 228 of the GPC3 protein (p.Ile228Val). This variant is not present in population databases (gnomAD no frequency). This variant has not been reported in the literature in individuals affected with GPC3-related conditions. ClinVar contains an entry for this variant (Variation ID: 2151595). Advanced modeling of protein sequence and biophysical properties (such as structural, functional, and spatial information, amino acid conservation, physicochemical variation, residue mobility, and thermodynamic stability) performed at Invitae indicates that this missense variant is not expected to disrupt GPC3 protein function. In summary, the available evidence is currently insufficient to determine the role of this variant in disease. Therefore, it has been classified as a Variant of Uncertain Significance.